The following is an entry in ClinVar:

ClinVar aggregate classification (germline): Uncertain significance (1 of 4 stars; one submission).

Conditions:
RFT1-congenital disorder of glycosylation (CDG1N). Also called: Congenital disorder of glycosylation type In; CDG In; RFT1-CDG. Identifiers: Orphanet 244310, MedGen C2677590, MONDO:0012783, OMIM 612015.

Allele frequency attached by ClinVar (database versions not stated): gnomAD exomes below 0.00001; TOPMed below 0.00001; ExAC 0.00001; gnomAD 0.00001.
gnomAD v4.1: 19 of 1,607,000 alleles (0.0012%); highest among the groups gnomAD compares: South Asian, 0.0056%; 1 homozygote.

Submission:

Labcorp Genetics (formerly Invitae), Labcorp
Classification: Uncertain significance for RFT1-congenital disorder of glycosylation. Last evaluated: 2021-09-24. Review status: criteria provided, single submitter. Criteria: Invitae Variant Classification Sherloc (09022015). Collection method: clinical testing. Allele origin: germline.
Comment: This sequence change replaces glycine with arginine at codon 473 of the RFT1 protein (p.Gly473Arg). The glycine residue is moderately conserved and there is a moderate physicochemical difference between glycine and arginine. This variant is present in population databases (rs754212502, ExAC 0.009%). This variant has not been reported in the literature in individuals affected with RFT1-related conditions. Algorithms developed to predict the effect of missense changes on protein structure and function are either unavailable or do not agree on the potential impact of this missense change (SIFT: "Tolerated"; PolyPhen-2: "Probably Damaging"; Align-GVGD: "Class C0"). In summary, the available evidence is currently insufficient to determine the role of this variant in disease. Therefore, it has been classified as a Variant of Uncertain Significance.

NM_052859.4(RFT1):c.1417G>A (p.Gly473Arg)

Gene: RFT1 (RFT1 glycolipid translocator homolog; minus strand). Cytogenetic location: 3p21.1.
Variant type: single nucleotide variant.
Coding change: c.1417G>A on transcript NM_052859.4 (MANE Select); coding-DNA position 1417, G replaced by A.
Protein change: p.Gly473Arg; replaces glycine 473 with arginine.
Molecular consequence: missense variant.
Genome position (GRCh38, 1-based): chr3:53,092,410, C>T on the plus strand (G>A on the coding strand, the complement: RFT1 is on the minus strand). VCF-style: chr3-53092410-C-T. GRCh37 (hg19) VCF-style: chr3-53126426-C-T.
Other names: short protein forms G473R.
Identifiers: ClinVar variation 1501012 (VCV001501012.5), dbSNP rs754212502, ClinGen allele CA2451155.